The following is an entry in ClinVar:

ClinVar aggregate classification (germline): Uncertain significance (1 of 4 stars; one submission).

Conditions:
Holoprosencephaly 3 (HPE3). Identifiers: Orphanet 2162, MedGen C1840529, MONDO:0007733, OMIM 142945.

Submission:

Labcorp Genetics (formerly Invitae), Labcorp
Classification: Uncertain significance for Holoprosencephaly 3. Last evaluated: 2022-07-26. Review status: criteria provided, single submitter. Criteria: Invitae Variant Classification Sherloc (09022015). Collection method: clinical testing. Allele origin: germline.
Comment: This sequence change replaces alanine, which is neutral and non-polar, with threonine, which is neutral and polar, at codon 306 of the SHH protein (p.Ala306Thr). This variant is not present in population databases (gnomAD no frequency). This variant has not been reported in the literature in individuals affected with SHH-related conditions. ClinVar contains an entry for this variant (Variation ID: 1018099). Algorithms developed to predict the effect of missense changes on protein structure and function are either unavailable or do not agree on the potential impact of this missense change (SIFT: "Deleterious"; PolyPhen-2: "Probably Damaging"; Align-GVGD: "Class C0"). In summary, the available evidence is currently insufficient to determine the role of this variant in disease. Therefore, it has been classified as a Variant of Uncertain Significance.

NM_000193.4(SHH):c.916G>A (p.Ala306Thr)

Gene: SHH (sonic hedgehog signaling molecule; minus strand). Cytogenetic location: 7q36.3.
Variant type: single nucleotide variant.
Coding change: c.916G>A on transcript NM_000193.4 (MANE Select); coding-DNA position 916, G replaced by A.
Protein change: p.Ala306Thr; replaces alanine 306 with threonine.
Molecular consequence: missense variant. On other transcripts: intron variant (1).
Genome position (GRCh38, 1-based): chr7:155,803,373, C>T on the plus strand (G>A on the coding strand, the complement: SHH is on the minus strand). VCF-style: chr7-155803373-C-T. GRCh37 (hg19) VCF-style: chr7-155596067-C-T.
Other names: c.301+2923G>A (NM_001310462.2); short protein forms A306T.
Identifiers: ClinVar variation 1018099 (VCV001018099.10), dbSNP rs537257011, ClinGen allele CA370145704.
Genomic context (GRCh38, chr7:155,803,373, plus strand): 5'-GGCGGTCCCCGTCACGCTCGGCCACCACGTACACGCGCTGGCCCGGGCGCACGCGGCTGG[C>T]GAACAGCGCCCGAGGCCCCAGTGCGCCCCCGGAAGGCGGCCCCGAGCCCGAGGACGCCTC-3'
Protein context (NP_000184.1, residues 296-316): GGALGPRALF[Ala306Thr]SRVRPGQRVY